The following is an entry in ClinVar:

NM_001768.7(CD8A):c.413C>T (p.Thr138Ile)

Gene: CD8A (CD8 subunit alpha; minus strand). Cytogenetic location: 2p11.2.
Variant type: single nucleotide variant.
Coding change: c.413C>T on transcript NM_001768.7 (MANE Select); coding-DNA position 413, C replaced by T.
Protein change: p.Thr138Ile; replaces threonine 138 with isoleucine.
Molecular consequence: missense variant. On other transcripts: non-coding transcript variant (3).
Genome position (GRCh38, 1-based): chr2:86,789,741, G>A on the plus strand (C>T on the coding strand, the complement: CD8A is on the minus strand). VCF-style: chr2-86789741-G-A. GRCh37 (hg19) VCF-style: chr2-87016864-G-A.
Other names: c.413C>T, p.Thr138Ile (NM_001145873.1, NM_001382698.1, NM_171827.4); short protein forms T138I.
Identifiers: ClinVar variation 2048116 (VCV002048116.4), dbSNP rs2466499568, ClinGen allele CA347576656.
Genomic context (GRCh38, chr2:86,789,741, plus strand): 5'-GACAGGGGCTGCGACGCGATGGTGGGCGCCGGTGTTGGTGGTCGCGGCGCTGGCGTCGTG[G>A]TGGGCTTCGCTGCAAGAGCAACAGAGCGTGGTTGGGGGCCAGGCTGGGGTTATGGAGGCG-3'
Protein context (NP_001759.3, residues 128-148): FVPVFLPAKP[Thr138Ile]TTPAPRPPTP

ClinVar aggregate classification (germline): Uncertain significance (1 of 4 stars; one submission).

Conditions:
Susceptibility to respiratory infections associated with CD8alpha chain mutation (IMD116). Also called: Cd8 deficiency, familial; IMMUNODEFICIENCY 116. Identifiers: Orphanet 169085, MedGen C1837065, MONDO:0012161, OMIM 608957.

gnomAD v4.1: 4 of 1,362,370 alleles (0.00029%); highest among the groups gnomAD compares: South Asian, 0.002%; no homozygotes.

Submission:

Labcorp Genetics (formerly Invitae), Labcorp
Classification: Uncertain significance for Susceptibility to respiratory infections associated with CD8alpha chain mutation. Last evaluated: 2021-12-19. Review status: criteria provided, single submitter. Criteria: Invitae Variant Classification Sherloc (09022015). Collection method: clinical testing. Allele origin: germline.
Comment: This sequence change replaces threonine, which is neutral and polar, with isoleucine, which is neutral and non-polar, at codon 138 of the CD8A protein (p.Thr138Ile). This variant is not present in population databases (gnomAD no frequency). This variant has not been reported in the literature in individuals affected with CD8A-related conditions. Algorithms developed to predict the effect of missense changes on protein structure and function (SIFT, PolyPhen-2, Align-GVGD) all suggest that this variant is likely to be tolerated. In summary, the available evidence is currently insufficient to determine the role of this variant in disease. Therefore, it has been classified as a Variant of Uncertain Significance.